The following is an entry in ClinVar:

ClinVar aggregate classification (germline): Uncertain significance (1 of 4 stars; one submission).

Conditions:
Pseudohypoaldosteronism type 2C (PHA2C). Also called: Pseudohypoaldosteronism Type IIC. Identifiers: Orphanet 757, Orphanet 88940, MedGen C1840391, MONDO:0013778, OMIM 614492.
Neuropathy, hereditary sensory and autonomic, type 2A (HSAN2A). Also called: ACROOSTEOLYSIS, GIACCAI TYPE; ACROOSTEOLYSIS, NEUROGENIC; MORVAN DISEASE; NEUROPATHY, CONGENITAL SENSORY; NEUROPATHY, HEREDITARY SENSORY RADICULAR, AUTOSOMAL RECESSIVE; NEUROPATHY, HEREDITARY SENSORY, TYPE IIA. Identifiers: Orphanet 970, MedGen C2752089, MONDO:0024309, OMIM 201300.

Allele frequency attached by ClinVar (database versions not stated): gnomAD exomes below 0.00001; gnomAD 0.00001.
gnomAD v4.1: 20 of 1,612,960 alleles (0.0012%); highest among the groups gnomAD compares: Admixed American, 0.0017%; no homozygotes.

Submission:

Labcorp Genetics (formerly Invitae), Labcorp
Classification: Uncertain significance for Neuropathy, hereditary sensory and autonomic, type 2A; Pseudohypoaldosteronism type 2C. Last evaluated: 2024-08-01. Review status: criteria provided, single submitter. Criteria: Invitae Variant Classification Sherloc (09022015). Collection method: clinical testing. Allele origin: germline.
Comment: This sequence change replaces glycine, which is neutral and non-polar, with alanine, which is neutral and non-polar, at codon 952 of the WNK1 protein (p.Gly952Ala). This variant is present in population databases (no rsID available, gnomAD 0.003%). This variant has not been reported in the literature in individuals affected with WNK1-related conditions. ClinVar contains an entry for this variant (Variation ID: 852183). Advanced modeling of protein sequence and biophysical properties (such as structural, functional, and spatial information, amino acid conservation, physicochemical variation, residue mobility, and thermodynamic stability) performed at Invitae indicates that this missense variant is not expected to disrupt WNK1 protein function with a negative predictive value of 95%. In summary, the available evidence is currently insufficient to determine the role of this variant in disease. Therefore, it has been classified as a Variant of Uncertain Significance.

NM_213655.5(WNK1):c.2855G>C (p.Gly952Ala)

Gene: WNK1 (WNK lysine deficient protein kinase 1; plus strand). Cytogenetic location: 12p13.33.
Variant type: single nucleotide variant.
Coding change: c.2855G>C on transcript NM_213655.5 (MANE Plus Clinical); coding-DNA position 2855, G replaced by C.
Protein change: p.Gly952Ala; replaces glycine 952 with alanine.
Molecular consequence: missense variant. On other transcripts: intron variant (2).
Genome position (GRCh38, 1-based): chr12:868,326, G>C. VCF-style: chr12-868326-G-C. GRCh37 (hg19) VCF-style: chr12-977492-G-C.
Other names: c.2600G>C, p.Gly867Ala (NM_001184985.2); c.2140-2939G>C (NM_018979.4, NM_014823.3); short protein forms G867A, G952A.
Identifiers: ClinVar variation 852183 (VCV000852183.9), dbSNP rs1446094915, ClinGen allele CA383339762.